The following is an entry in ClinVar:

NM_004360.5(CDH1):c.128G>A (p.Arg43Gln)

Gene: CDH1 (cadherin 1; plus strand). Cytogenetic location: 16q22.1.
Variant type: single nucleotide variant.
Coding change: c.128G>A on transcript NM_004360.5 (MANE Select); coding-DNA position 128, G replaced by A.
Protein change: p.Arg43Gln; replaces arginine 43 with glutamine.
Molecular consequence: missense variant. On other transcripts: 5 prime UTR variant (2).
Genome position (GRCh38, 1-based): chr16:68,738,376, G>A. VCF-style: chr16-68738376-G-A. GRCh37 (hg19) VCF-style: chr16-68772279-G-A.
Other names: c.128G>A, p.Arg43Gln (NM_001317184.2); c.-1488G>A (NM_001317185.2); c.-1692G>A (NM_001317186.2); short protein forms R43Q.
Identifiers: ClinVar variation 950369 (VCV000950369.10), dbSNP rs1962461060, ClinGen allele CA396452153.

ClinVar aggregate classification (germline): Uncertain significance (1 of 4 stars; one submission).

Conditions:
Hereditary diffuse gastric adenocarcinoma (HDGC). Also called: DIFFUSE GASTRIC AND LOBULAR BREAST CANCER SYNDROME. Identifiers: Orphanet 26106, MedGen C1708349, MONDO:0007648, OMIM 137215.

Allele frequency attached by ClinVar (database versions not stated): gnomAD exomes below 0.00001.

Submission:

Labcorp Genetics (formerly Invitae), Labcorp
Classification: Uncertain significance for Hereditary diffuse gastric adenocarcinoma. Last evaluated: 2022-06-26. Review status: criteria provided, single submitter. Criteria: Invitae Variant Classification Sherloc (09022015). Collection method: clinical testing. Allele origin: germline.
Comment: In summary, the available evidence is currently insufficient to determine the role of this variant in disease. Therefore, it has been classified as a Variant of Uncertain Significance. Algorithms developed to predict the effect of sequence changes on RNA splicing suggest that this variant may create or strengthen a splice site. Algorithms developed to predict the effect of missense changes on protein structure and function (SIFT, PolyPhen-2, Align-GVGD) all suggest that this variant is likely to be tolerated. ClinVar contains an entry for this variant (Variation ID: 950369). This variant has not been reported in the literature in individuals affected with CDH1-related conditions. This variant is not present in population databases (gnomAD no frequency). This sequence change replaces arginine, which is basic and polar, with glutamine, which is neutral and polar, at codon 43 of the CDH1 protein (p.Arg43Gln).